The following is an entry in ClinVar:

NM_001283009.2(RTEL1):c.1955T>A (p.Met652Lys)

Genes: RTEL1 (regulator of telomere elongation helicase 1; plus strand), RTEL1-TNFRSF6B (RTEL1-TNFRSF6B readthrough (NMD candidate); plus strand). Cytogenetic location: 20q13.33.
Variant type: single nucleotide variant.
Coding change: c.1955T>A on transcript NM_001283009.2 (MANE Select); coding-DNA position 1955, T replaced by A.
Protein change: p.Met652Lys; replaces methionine 652 with lysine.
Molecular consequence: missense variant. On other transcripts: non-coding transcript variant (1).
Genome position (GRCh38, 1-based): chr20:63,689,578, T>A. VCF-style: chr20-63689578-T-A. GRCh37 (hg19) VCF-style: chr20-62320931-T-A.
Other names: c.1286T>A, p.Met429Lys (NM_001283010.1); c.1955T>A, p.Met652Lys (NM_016434.4); c.2027T>A, p.Met676Lys (NM_032957.5); short protein forms M652K, M429K, M676K.
Identifiers: ClinVar variation 2933116 (VCV002933116.4), dbSNP rs148080505, ClinGen allele CA409678814.
Genomic context (GRCh38, chr20:63,689,578, plus strand): 5'-ACTTCTCAGACACGAATGGCCGTGGTGTGATTGTCACGGGCCTCCCGTACCCCCCACGCA[T>A]GGACCCCCGGGTTGTCCTCAAGATGCAGTTCCTGGATGAGATGAAGGGCCAGGGTGGGGC-3'
Protein context (NP_001269938.1, residues 642-662): IVTGLPYPPR[Met652Lys]DPRVVLKMQF

ClinVar aggregate classification (germline): Uncertain significance. Review status: criteria provided, multiple submitters, no conflicts (2 of 4 stars). 2 submissions from 2 submitters: Uncertain significance (2). Last evaluated 2025-03-19.

Conditions:
Pulmonary fibrosis and/or bone marrow failure, Telomere-related, 3. Also called: PULMONARY FIBROSIS AND/OR BONE MARROW FAILURE SYNDROME, TELOMERE-RELATED, 3. Identifiers: Orphanet 2032, MedGen C4225346, MONDO:0014613, OMIM 616373.
Dyskeratosis congenita, autosomal recessive 5 (DKCB5). Identifiers: MedGen C3554656, MONDO:0014076, OMIM 615190.

gnomAD v4.1: 5 of 1,612,200 alleles (0.00031%); highest among the groups gnomAD compares: Non-Finnish European, 0.00042%; no homozygotes.

Submissions (2):

Labcorp Genetics (formerly Invitae), Labcorp
Classification: Uncertain significance for Dyskeratosis congenita, autosomal recessive 5; Pulmonary fibrosis and/or bone marrow failure, Telomere-related, 3. Last evaluated: 2025-03-19. Review status: criteria provided, single submitter. Criteria: Invitae Variant Classification Sherloc (09022015). Collection method: clinical testing. Allele origin: germline.
Comment: This sequence change replaces methionine, which is neutral and non-polar, with lysine, which is basic and polar, at codon 652 of the RTEL1 protein (p.Met652Lys). This variant is present in population databases (no rsID available, gnomAD 0.002%). This variant has not been reported in the literature in individuals affected with RTEL1-related conditions. ClinVar contains an entry for this variant (Variation ID: 2933116). An algorithm developed to predict the effect of missense changes on protein structure and function outputs the following: PolyPhen-2: "Benign". The lysine amino acid residue is found in multiple mammalian species, which suggests that this missense change does not adversely affect protein function. In summary, the available evidence is currently insufficient to determine the role of this variant in disease. Therefore, it has been classified as a Variant of Uncertain Significance.

Blueprint Genetics
Classification: Uncertain significance. Last evaluated: 2021-09-23. Review status: criteria provided, single submitter. Criteria: ACMG Guidelines, 2015. Collection method: clinical testing. Allele origin: germline.